The following is an entry in ClinVar:

ClinVar aggregate classification (germline): Pathogenic (1 of 4 stars; one submission).

Conditions:
Mucolipidosis type IV (ML4). Also called: ML IV. Identifiers: Orphanet 578, MedGen C0238286, MONDO:0009653, OMIM 252650.

Submission:

Myriad Genetics, Inc.
Classification: Pathogenic for Mucolipidosis type IV. Last evaluated: 2023-09-21. Review status: criteria provided, single submitter. Criteria: Myriad Autosomal Dominant, Autosomal Recessive and X-Linked Classification Criteria (2023). Collection method: clinical testing. Allele origin: unknown.
Comment: NM_020533.2(MCOLN1):c.943_946delCTCT(L315Afs*56) is expected to be pathogenic in the context of mucolipidosis IV. This variant is predicted to lead to an abnormal or absent protein product due to the creation of a premature termination codon in MCOLN1, a gene where loss-of-function variants are known to be pathogenic. Please note: this variant was assessed in the context of healthy population screening.

NM_020533.3(MCOLN1):c.943_946del (p.Leu315fs)

Gene: MCOLN1 (mucolipin TRP cation channel 1; plus strand). Cytogenetic location: 19p13.2.
Variant type: Deletion.
Coding change: c.943_946del on transcript NM_020533.3 (MANE Select); coding-DNA positions 943 to 946, 4 bases deleted (CTCT; older notation c.943_946delCTCT).
Protein change: p.Leu315fs; shifts the reading frame from leucine 315.
Molecular consequence: frameshift variant.
Genome position (GRCh38, 1-based): chr19:7,528,662-7,528,665, CTCT deleted. VCF-style (leftmost placement, unchanged base first): chr19-7528661-CCTCT-C. GRCh37 (hg19) VCF-style: chr19-7593547-CCTCT-C.
Other names: short protein forms L315fs.
Identifiers: ClinVar variation 5011717 (VCV005011717.1).